The following is an entry in ClinVar:

ClinVar aggregate classification (germline): Uncertain significance (1 of 4 stars; one submission).

Conditions:
Long QT syndrome (LQTS). Identifiers: MedGen C0023976, MeSH D008133, MONDO:0002442. Disease mechanism: loss of function. Inheritance: Various modes of inheritance.

Submission:

Labcorp Genetics (formerly Invitae), Labcorp
Classification: Uncertain significance for Long QT syndrome. Last evaluated: 2020-03-12. Review status: criteria provided, single submitter. Criteria: Invitae Variant Classification Sherloc (09022015). Collection method: clinical testing. Allele origin: germline.
Comment: This variant results in a copy number gain of the genomic region encompassing exons 2-11 of the KCNQ1 gene. While the exact position of this variant cannot be determined from this data, sub-genic copy number gains are generally in tandem (PMID: 25640679). This variant would be expected to be in-frame, preserving the integrity of the reading frame. This variant has not been reported in the literature in individuals with KCNQ1-related conditions. Experimental studies and prediction algorithms are not available or were not evaluated, and the functional significance of this variant is currently unknown. In summary, the currently available evidence indicates that the variant is pathogenic, but additional data are needed to prove that conclusively. Therefore, this variant has been classified as Likely Pathogenic.

Literature cited by the submitters: PubMed 25640679.

NC_000011.9:g.(?_2549148)_(2683321_?)dup

Genes: KCNQ1 (potassium voltage-gated channel subfamily Q member 1; plus strand), KCNQ1OT1 (KCNQ1 opposite strand/antisense transcript 1; minus strand). Cytogenetic location: 11p15.5.
Variant type: Duplication.
Identifiers: ClinVar variation 2422601 (VCV002422601.5).